The following is an entry in ClinVar:

NM_003002.4(SDHD):c.315G>T (p.Trp105Cys)

Gene: SDHD (succinate dehydrogenase complex subunit D; plus strand). Cytogenetic location: 11q23.1.
Variant type: single nucleotide variant.
Coding change: c.315G>T on transcript NM_003002.4 (MANE Select); coding-DNA position 315, G replaced by T.
Protein change: p.Trp105Cys; replaces tryptophan 105 with cysteine.
Molecular consequence: missense variant. On other transcripts: 3 prime UTR variant (1), non-coding transcript variant (1).
Genome position (GRCh38, 1-based): chr11:112,094,805, G>T. VCF-style: chr11-112094805-G-T. GRCh37 (hg19) VCF-style: chr11-111965529-G-T.
Other names: c.170G>T, p.Trp57Leu (NM_001276503.2); c.198G>T, p.Trp66Cys (NM_001276504.2); c.*13G>T (NM_001276506.2); short protein forms W57L, W66C, W105C.
Identifiers: ClinVar variation 2942563 (VCV002942563.3), dbSNP rs1060503769, ClinGen allele CA382618715.

ClinVar aggregate classification (germline): Uncertain significance (1 of 4 stars; one submission).

Conditions:
Pheochromocytoma. Also called: MAX-Related Hereditary Paraganglioma-Pheochromocytoma Syndrome. Identifiers: Orphanet 29072, MedGen C0031511, MONDO:0008233, OMIM 171300, HP:0002666.
Paragangliomas with sensorineural hearing loss. Identifiers: MedGen C1868633.
Cowden syndrome 3 (CWS3). Identifiers: Orphanet 201, MedGen CN166604, MONDO:0014045.
Carney-Stratakis syndrome. Also called: PARAGANGLIOMA AND GASTROINTESTINAL STROMAL TUMOR. Identifiers: Orphanet 97286, MedGen C1847319, MONDO:0011740, OMIM 606864.

Submission:

Labcorp Genetics (formerly Invitae), Labcorp
Classification: Uncertain significance for Carney-Stratakis syndrome; Paragangliomas with sensorineural hearing loss; Pheochromocytoma; Cowden syndrome 3. Last evaluated: 2023-12-06. Review status: criteria provided, single submitter. Criteria: Invitae Variant Classification Sherloc (09022015). Collection method: clinical testing. Allele origin: germline.
Comment: This sequence change replaces tryptophan, which is neutral and slightly polar, with cysteine, which is neutral and slightly polar, at codon 105 of the SDHD protein (p.Trp105Cys). This variant is not present in population databases (gnomAD no frequency). This variant has not been reported in the literature in individuals affected with SDHD-related conditions. An algorithm developed to predict the effect of missense changes on protein structure and function (PolyPhen-2) suggests that this variant is likely to be disruptive. In summary, the available evidence is currently insufficient to determine the role of this variant in disease. Therefore, it has been classified as a Variant of Uncertain Significance.